The following is an entry in ClinVar:

NM_001687.5(ATP5F1D):c.74C>T (p.Ala25Val)

Genes: ATP5F1D (ATP synthase F1 subunit delta; plus strand), LOC130062903 (ATAC-STARR-seq lymphoblastoid silent region 9673; plus strand). Cytogenetic location: 19p13.3.
Variant type: single nucleotide variant.
Coding change: c.74C>T on transcript NM_001687.5 (MANE Select); coding-DNA position 74, C replaced by T.
Protein change: p.Ala25Val; replaces alanine 25 with valine.
Molecular consequence: missense variant.
Genome position (GRCh38, 1-based): chr19:1,241,924, C>T. VCF-style: chr19-1241924-C-T. GRCh37 (hg19) VCF-style: chr19-1241923-C-T.
Other names: c.74C>T, p.Ala25Val (NM_001001975.2); short protein forms A25V.
Identifiers: ClinVar variation 3000324 (VCV003000324.3), dbSNP rs1946381192, ClinGen allele CA402979035.

ClinVar aggregate classification (germline): Uncertain significance (1 of 4 stars; one submission).

Allele frequency attached by ClinVar (database versions not stated): gnomAD 0.00001.

Submission:

Labcorp Genetics (formerly Invitae), Labcorp
Classification: Uncertain significance. Last evaluated: 2023-08-07. Review status: criteria provided, single submitter. Criteria: Invitae Variant Classification Sherloc (09022015). Collection method: clinical testing. Allele origin: germline.
Comment: This variant has not been reported in the literature in individuals affected with ATP5D-related conditions. In summary, the available evidence is currently insufficient to determine the role of this variant in disease. Therefore, it has been classified as a Variant of Uncertain Significance. Experimental studies and prediction algorithms are not available or were not evaluated, and the functional significance of this variant is currently unknown. This variant is not present in population databases (gnomAD no frequency). This sequence change replaces alanine, which is neutral and non-polar, with valine, which is neutral and non-polar, at codon 25 of the ATP5D protein (p.Ala25Val).